The following is an entry in ClinVar:

NM_001042492.3(NF1):c.7189G>T (p.Gly2397Trp)

Gene: NF1 (neurofibromin 1; plus strand). Cytogenetic location: 17q11.2.
Variant type: single nucleotide variant.
Coding change: c.7189G>T on transcript NM_001042492.3 (MANE Select); coding-DNA position 7189, G replaced by T.
Protein change: p.Gly2397Trp; replaces glycine 2397 with tryptophan.
Molecular consequence: missense variant.
Genome position (GRCh38, 1-based): chr17:31,343,135, G>T. VCF-style: chr17-31343135-G-T. GRCh37 (hg19) VCF-style: chr17-29670153-G-T.
Other names: c.7126G>T, p.Gly2376Trp (NM_000267.4); short protein forms G2397W, G2376W.
Identifiers: ClinVar variation 2845315 (VCV002845315.4), dbSNP rs1135402900, ClinGen allele CA399015792.

ClinVar aggregate classification (germline): Pathogenic. Review status: criteria provided, multiple submitters, no conflicts (2 of 4 stars). 2 submissions from 2 submitters: Pathogenic (2). Last evaluated 2025-09-25.

Conditions:
Hereditary cancer-predisposing syndrome. Also called: Hereditary Cancer Syndrome; Hereditary neoplastic syndrome; Neoplastic Syndromes, Hereditary; Tumor predisposition. Identifiers: Orphanet 140162, MedGen C0027672, MeSH D009386, MONDO:0015356.
Cardiovascular phenotype. Identifiers: MedGen CN230736.
Neurofibromatosis, type 1 (NF1). Also called: Neurofibromatosis, type I; VON RECKLINGHAUSEN DISEASE; NEUROFIBROMATOSIS, TYPE I, SOMATIC; Peripheral type neurofibromatosis. Identifiers: Orphanet 636, MedGen C0027831, MONDO:0018975, OMIM 162200. Disease mechanism: loss of function.

Submissions (2):

Ambry Genetics
Classification: Pathogenic for Cardiovascular phenotype; Hereditary cancer-predisposing syndrome. Last evaluated: 2025-09-25. Review status: criteria provided, single submitter. Criteria: Ambry Variant Classification Scheme 2023. Collection method: clinical testing. Allele origin: germline.
Comment: The c.7126G>T pathogenic mutation (also known as p.G2376W), located in coding exon 47 of the NF1 gene, results from a G to T substitution at nucleotide position 7126. The amino acid change results in glycine to tryptophan at codon 2376, an amino acid with highly dissimilar properties. However, this change occurs in the last base pair of coding exon 47, which makes it likely to have some effect on normal mRNA splicing. In silico splice site analysis predicts that this alteration will weaken the native splice donor site. RNA studies have demonstrated that this alteration results in abnormal splicing in the set of samples tested (Ambry internal data). This variant was reported in individual(s) with features consistent with Neurofibromatosis type 1; in at least one individual, it was determined to be de novo (Ambry internal data; personal communication). Other variant(s) impacting the same donor site (c.7126+3A>C) have been shown to have a similar impact on splicing in individual(s) with features consistent with Neurofibromatosis type 1 (Messiaen L. et al. J Med Genet 2003 Feb;40(2):122-6; Ambry internal data). This variant is considered to be rare based on population cohorts in the Genome Aggregation Database (gnomAD). Based on the supporting evidence, this variant is interpreted as a disease-causing mutation.

Labcorp Genetics (formerly Invitae), Labcorp
Classification: Pathogenic for Neurofibromatosis, type 1. Last evaluated: 2024-04-15. Review status: criteria provided, single submitter. Criteria: Invitae Variant Classification Sherloc (09022015). Collection method: clinical testing. Allele origin: germline.
Comment: This sequence change replaces glycine, which is neutral and non-polar, with tryptophan, which is neutral and slightly polar, at codon 2376 of the NF1 protein (p.Gly2376Trp). This variant also falls at the last nucleotide of exon 47, which is part of the consensus splice site for this exon. This variant is not present in population databases (gnomAD no frequency). This missense change has been observed in individual(s) with clinical features consistent with neurofibromatosis, type 1 (Invitae). In at least one individual the variant was observed to be de novo. An algorithm developed to predict the effect of missense changes on protein structure and function (PolyPhen-2) suggests that this variant is likely to be disruptive. Variants that disrupt the consensus splice site are a relatively common cause of aberrant splicing (PMID: 17576681, 9536098). Algorithms developed to predict the effect of sequence changes on RNA splicing suggest that this variant may disrupt the consensus splice site. For these reasons, this variant has been classified as Pathogenic.

Literature cited by the submitters: PubMed 17576681 (cited by Labcorp Genetics (formerly Invitae), Labcorp); PubMed 9536098 (cited by Labcorp Genetics (formerly Invitae), Labcorp).